The following is an entry in ClinVar:

ClinVar aggregate classification (germline): Uncertain significance. Review status: criteria provided, multiple submitters, no conflicts (2 of 4 stars). 7 submissions from 7 submitters: Uncertain significance (7). Last evaluated 2026-01-19.

Conditions:
Breast-ovarian cancer, familial, susceptibility to, 4. Identifiers: Orphanet 145, MedGen C3280345, MONDO:0013669, OMIM 614291.
Hereditary cancer-predisposing syndrome. Also called: Neoplastic Syndromes, Hereditary; Tumor predisposition; Hereditary Cancer Syndrome; Hereditary neoplastic syndrome. Identifiers: Orphanet 140162, MedGen C0027672, MeSH D009386, MONDO:0015356.

Allele frequency attached by ClinVar (database versions not stated): gnomAD exomes below 0.00001 and 0.00002; gnomAD 0.00001 and 0.00002; TOPMed 0.00001; ExAC 0.00004; 1000 Genomes Project 30x 0.00031; 1000 Genomes Project 0.00040.
gnomAD v4.1: 9 of 1,613,262 alleles (0.00056%); highest among the groups gnomAD compares: East Asian, 0.02%; no homozygotes.

Submissions (7):

Labcorp Genetics (formerly Invitae), Labcorp
Classification: Uncertain significance for Breast-ovarian cancer, familial, susceptibility to, 4. Last evaluated: 2026-01-19. Review status: criteria provided, single submitter. Criteria: Invitae Variant Classification Sherloc (09022015). Collection method: clinical testing. Allele origin: germline.
Comment: This sequence change replaces glutamic acid, which is acidic and polar, with lysine, which is basic and polar, at codon 184 of the RAD51D protein (p.Glu184Lys). This variant is present in population databases (rs200009601, gnomAD 0.02%). This variant has not been reported in the literature in individuals affected with RAD51D-related conditions. ClinVar contains an entry for this variant (Variation ID: 187314). Invitae Evidence Modeling of protein sequence and biophysical properties (such as structural, functional, and spatial information, amino acid conservation, physicochemical variation, residue mobility, and thermodynamic stability) indicates that this missense variant is not expected to disrupt RAD51D protein function with a negative predictive value of 80%. In summary, the available evidence is currently insufficient to determine the role of this variant in disease. Therefore, it has been classified as a Variant of Uncertain Significance.

Color Diagnostics, LLC DBA Color Health
Classification: Uncertain significance for Hereditary cancer-predisposing syndrome. Last evaluated: 2025-03-04. Review status: criteria provided, single submitter. Criteria: ACMG Guidelines, 2015. Collection method: clinical testing. Allele origin: germline.
Comment: This missense variant replaces glutamic acid with lysine at codon 184 of the RAD51D protein. Computational prediction suggests that this variant may not impact protein structure and function (internally defined REVEL score threshold <= 0.5, PMID: 27666373). To our knowledge, functional studies have not been reported for this variant. This variant has not been reported in individuals affected with RAD51D-related disorders in the literature. This variant has been identified in 5/249562 chromosomes in the general population by the Genome Aggregation Database (gnomAD). The available evidence is insufficient to determine the role of this variant in disease conclusively. Therefore, this variant is classified as a Variant of Uncertain Significance.

Ambry Genetics
Classification: Uncertain significance for Hereditary cancer-predisposing syndrome. Last evaluated: 2024-12-30. Review status: criteria provided, single submitter. Criteria: Ambry Variant Classification Scheme 2023. Collection method: clinical testing. Allele origin: germline.
Comment: The p.E184K variant (also known as c.550G>A), located in coding exon 6 of the RAD51D gene, results from a G to A substitution at nucleotide position 550. The glutamic acid at codon 184 is replaced by lysine, an amino acid with similar properties. This amino acid position is poorly conserved in available vertebrate species. In addition, the in silico prediction for this alteration is inconclusive. Since supporting evidence is limited at this time, the clinical significance of this alteration remains unclear.

KCCC/NGS Laboratory, Kuwait Cancer Control Center
Classification: Uncertain significance for Breast-ovarian cancer, familial, susceptibility to, 4. Last evaluated: 2024-01-31. Review status: criteria provided, single submitter. Criteria: ACMG Guidelines, 2015. Collection method: clinical testing. Allele origin: germline. Inheritance: Autosomal dominant inheritance. Affected: yes. Observed: 1 heterozygote.
Comment: This sequence change replaces glutamic acid, which is acidic and polar, with lysine, which is basic and polar, at codon 72 of the RAD51D protein (p.Glu72Lys). This variant is present in population databases (rs200009601, gnomAD 0.02%). This variant observed in individuals with breast cancer (Chen et al., 2020); This variant is associated with the following publications: (PMID: 32091409, 21111057, 14704354) . ClinVar contains an entry for this variant (Variation ID: 187314) classified as uncertain significant . This amino acid position is poorly conserved (PhyloP=2.7) .In addition, this alteration is predicted to be tolerated by in silico analysis. In summary, the available evidence is currently insufficient to determine the role of this variant in disease. Therefore, it has been classified as a Variant of Uncertain Significance.

Quest Diagnostics Nichols Institute San Juan Capistrano
Classification: Uncertain significance. Last evaluated: 2024-01-31. Review status: criteria provided, single submitter. Criteria: Quest Diagnostics criteria. Collection method: clinical testing. Allele origin: unknown.
Comment: The RAD51D c.550G>A (p.Glu184Lys) variant has not been reported in individuals with RAD51D-related conditions in the published literature. The frequency of this variant in the general population, 0.00027 (5/18376 chromosomes (Genome Aggregation Database)), is uninformative in the assessment of its pathogenicity. Analysis of this variant using bioinformatics tools for the prediction of the effect of amino acid changes on protein structure and function yielded predictions that this variant is benign. Based on the available information, we are unable to determine the clinical significance of this variant.

Baylor Genetics
Classification: Uncertain significance for Breast-ovarian cancer, familial, susceptibility to, 4. Last evaluated: 2024-01-03. Review status: criteria provided, single submitter. Criteria: ACMG Guidelines, 2015. Collection method: clinical testing. Allele origin: unknown.

GeneDx
Classification: Uncertain significance. Last evaluated: 2022-10-12. Review status: criteria provided, single submitter. Criteria: GeneDx Variant Classification Process June 2021. Collection method: clinical testing. Allele origin: germline. Affected: yes.
Comment: Not observed at significant frequency in large population cohorts (gnomAD); In silico analysis supports that this missense variant does not alter protein structure/function; Observed in individuals with breast cancer (Chen et al., 2020); This variant is associated with the following publications: (PMID: 32091409, 21111057, 14704354)

NM_002878.4(RAD51D):c.550G>A (p.Glu184Lys)

Genes: RAD51L3-RFFL (RAD51L3-RFFL readthrough; minus strand), RAD51D (RAD51 paralog D; minus strand). Cytogenetic location: 17q12.
Variant type: single nucleotide variant.
Coding change: c.550G>A on transcript NM_002878.4 (MANE Select); coding-DNA position 550, G replaced by A.
Protein change: p.Glu184Lys; replaces glutamic acid 184 with lysine.
Molecular consequence: missense variant. On other transcripts: non-coding transcript variant (3).
Genome position (GRCh38, 1-based): chr17:35,106,412, C>T on the plus strand (G>A on the coding strand, the complement: RAD51D is on the minus strand). VCF-style: chr17-35106412-C-T. GRCh37 (hg19) VCF-style: chr17-33433431-C-T.
Other names: c.610G>A, p.Glu204Lys (NM_001142571.2); c.214G>A, p.Glu72Lys (NM_133629.3); c.214G>A (NM_133629.2); short protein forms E184K, E204K, E72K.
Identifiers: ClinVar variation 187314 (VCV000187314.24), dbSNP rs200009601, ClinGen allele CA197328.
Genomic context (GRCh38, chr17:35,106,412, plus strand): 5'-AATTAAGCAAGGAGGGGCAGAACAGCAGGCTCACCTGCTGGGCCACAGTGCCTCGGAGCT[C>T]CTGCAGCACATCCAGCATCTGGAAGATGTCAAATGCATGCACCACCTGGATCCTCCGGAG-3'
Protein context (NP_002869.3, residues 174-194): DIFQMLDVLQ[Glu184Lys]LRGTVAQQVT